The following is an entry in ClinVar:

NM_000722.4(CACNA2D1):c.1364A>G (p.Glu455Gly)

Gene: CACNA2D1 (calcium voltage-gated channel auxiliary subunit alpha2delta 1; minus strand). Cytogenetic location: 7q21.11.
Variant type: single nucleotide variant.
Coding change: c.1364A>G on transcript NM_000722.4 (MANE Select); coding-DNA position 1364, A replaced by G.
Protein change: p.Glu455Gly; replaces glutamic acid 455 with glycine.
Molecular consequence: missense variant.
Genome position (GRCh38, 1-based): chr7:82,007,755, T>C on the plus strand (A>G on the coding strand, the complement: CACNA2D1 is on the minus strand). VCF-style: chr7-82007755-T-C. GRCh37 (hg19) VCF-style: chr7-81637071-T-C.
Other names: c.1364A>G, p.Glu455Gly (NM_001366867.1); short protein forms E455G.
Identifiers: ClinVar variation 2565391 (VCV002565391.2), dbSNP rs2485143401, ClinGen allele CA367877684.

ClinVar aggregate classification (germline): Uncertain significance (1 of 4 stars; one submission).

Conditions:
Cardiovascular phenotype. Identifiers: MedGen CN230736.

Submission:

Ambry Genetics
Classification: Uncertain significance for Cardiovascular phenotype. Last evaluated: 2023-05-21. Review status: criteria provided, single submitter. Criteria: Ambry Variant Classification Scheme 2023. Collection method: clinical testing. Allele origin: germline.
Comment: The p.E455G variant (also known as c.1364A>G), located in coding exon 16 of the CACNA2D1 gene, results from an A to G substitution at nucleotide position 1364. The glutamic acid at codon 455 is replaced by glycine, an amino acid with similar properties. This amino acid position is conserved. In addition, the in silico prediction for this alteration is inconclusive. Since supporting evidence is limited at this time, the clinical significance of this alteration remains unclear.